The following is an entry in ClinVar:

NM_000081.4(LYST):c.5987T>C (p.Ile1996Thr)

Gene: LYST (lysosomal trafficking regulator; minus strand). Cytogenetic location: 1q42.3.
Variant type: single nucleotide variant.
Coding change: c.5987T>C on transcript NM_000081.4 (MANE Select); coding-DNA position 5987, T replaced by C.
Protein change: p.Ile1996Thr; replaces isoleucine 1996 with threonine.
Molecular consequence: missense variant.
Genome position (GRCh38, 1-based): chr1:235,766,213, A>G on the plus strand (T>C on the coding strand, the complement: LYST is on the minus strand). VCF-style: chr1-235766213-A-G. GRCh37 (hg19) VCF-style: chr1-235929513-A-G.
Other names: c.5987T>C, p.Ile1996Thr (NM_001301365.1); c.5987T>C (NM_000081.2); short protein forms I1996T.
Identifiers: ClinVar variation 1041323 (VCV001041323.7), dbSNP rs369647943, ClinGen allele CA1466477.

ClinVar aggregate classification (germline): Uncertain significance. Review status: criteria provided, multiple submitters, no conflicts (2 of 4 stars). 2 submissions from 2 submitters: Uncertain significance (2). Last evaluated 2024-06-11.

Conditions:
Inborn genetic diseases. Identifiers: MedGen C0950123, MeSH D030342.
Chédiak-Higashi syndrome (CHS). Also called: Chediak-Higashi Syndrome. Identifiers: Orphanet 167, MedGen C0007965, MONDO:0008963, OMIM 214500.

Allele frequency attached by ClinVar (database versions not stated): ExAC 0.00001; gnomAD exomes 0.00001; gnomAD 0.00003; TOPMed 0.00003; ESP Exome Variant Server 0.00008.
gnomAD v4.1: 26 of 1,613,428 alleles (0.0016%); highest among the groups gnomAD compares: Admixed American, 0.005%; no homozygotes.

Submissions (2):

Labcorp Genetics (formerly Invitae), Labcorp
Classification: Uncertain significance for Chédiak-Higashi syndrome. Last evaluated: 2024-06-11. Review status: criteria provided, single submitter. Criteria: Invitae Variant Classification Sherloc (09022015). Collection method: clinical testing. Allele origin: germline.
Comment: This sequence change replaces isoleucine, which is neutral and non-polar, with threonine, which is neutral and polar, at codon 1996 of the LYST protein (p.Ile1996Thr). This variant is present in population databases (rs369647943, gnomAD 0.006%). This variant has not been reported in the literature in individuals affected with LYST-related conditions. ClinVar contains an entry for this variant (Variation ID: 1041323). Advanced modeling of protein sequence and biophysical properties (such as structural, functional, and spatial information, amino acid conservation, physicochemical variation, residue mobility, and thermodynamic stability) performed at Invitae indicates that this missense variant is expected to disrupt LYST protein function with a positive predictive value of 80%. In summary, the available evidence is currently insufficient to determine the role of this variant in disease. Therefore, it has been classified as a Variant of Uncertain Significance.

Ambry Genetics
Classification: Uncertain significance for Inborn genetic diseases. Last evaluated: 2024-05-09. Review status: criteria provided, single submitter. Criteria: Ambry Variant Classification Scheme 2023. Collection method: clinical testing. Allele origin: germline.